The following is an entry in ClinVar:

NM_021008.4(DEAF1):c.446T>C (p.Ile149Thr)

Gene: DEAF1 (DEAF1 transcription factor; minus strand). Cytogenetic location: 11p15.5.
Variant type: single nucleotide variant.
Coding change: c.446T>C on transcript NM_021008.4 (MANE Select); coding-DNA position 446, T replaced by C.
Protein change: p.Ile149Thr; replaces isoleucine 149 with threonine.
Molecular consequence: missense variant. On other transcripts: 5 prime UTR variant (1).
Genome position (GRCh38, 1-based): chr11:688,402, A>G on the plus strand (T>C on the coding strand, the complement: DEAF1 is on the minus strand). VCF-style: chr11-688402-A-G. GRCh37 (hg19) VCF-style: chr11-688402-A-G.
Other names: c.446T>C, p.Ile149Thr (NM_001293634.2); c.-281T>C (NM_001367390.1); short protein forms I149T.
Identifiers: ClinVar variation 2757949 (VCV002757949.3), dbSNP rs2494458577, ClinGen allele CA378935584.

ClinVar aggregate classification (germline): Uncertain significance (1 of 4 stars; one submission).

Submission:

Labcorp Genetics (formerly Invitae), Labcorp
Classification: Uncertain significance. Last evaluated: 2023-09-04. Review status: criteria provided, single submitter. Criteria: Invitae Variant Classification Sherloc (09022015). Collection method: clinical testing. Allele origin: germline.
Comment: In summary, the available evidence is currently insufficient to determine the role of this variant in disease. Therefore, it has been classified as a Variant of Uncertain Significance. Advanced modeling of protein sequence and biophysical properties (such as structural, functional, and spatial information, amino acid conservation, physicochemical variation, residue mobility, and thermodynamic stability) performed at Invitae indicates that this missense variant is expected to disrupt DEAF1 protein function. This variant has not been reported in the literature in individuals affected with DEAF1-related conditions. This variant is not present in population databases (gnomAD no frequency). This sequence change replaces isoleucine, which is neutral and non-polar, with threonine, which is neutral and polar, at codon 149 of the DEAF1 protein (p.Ile149Thr).